The following is an entry in ClinVar:

ClinVar aggregate classification (germline): Conflicting classifications of pathogenicity. Review status: criteria provided, conflicting classifications (1 of 4 stars). 5 submissions from 5 submitters: Uncertain significance (3); Benign (1). 1 of the submissions does not count toward it. Last evaluated 2025-11-17.

Conditions:
Hereditary cancer-predisposing syndrome. Also called: Tumor predisposition; Hereditary neoplastic syndrome; Neoplastic Syndromes, Hereditary; Hereditary Cancer Syndrome. Identifiers: Orphanet 140162, MedGen C0027672, MeSH D009386, MONDO:0015356.
Familial adenomatous polyposis 2. Also called: MUTYH Polyposis; COLORECTAL ADENOMATOUS POLYPOSIS, AUTOSOMAL RECESSIVE; ADENOMAS, MULTIPLE COLORECTAL, AUTOSOMAL RECESSIVE; MUTYH-associated polyposis; MUTYH-related attenuated familial adenomatous polyposis; Adenomas, multiple colorectal. Identifiers: Orphanet 220460, Orphanet 247798, MedGen C3272841, MONDO:0012041, OMIM 608456.

Allele frequency attached by ClinVar (database versions not stated): TOPMed 0.00001.
gnomAD v4.1: 14 of 1,614,082 alleles (0.00087%); highest among the groups gnomAD compares: Non-Finnish European, 0.0011%; no homozygotes.

Submissions (5):

Labcorp Genetics (formerly Invitae), Labcorp
Classification: Uncertain significance for Familial adenomatous polyposis 2. Last evaluated: 2025-11-17. Review status: criteria provided, single submitter. Criteria: Invitae Variant Classification Sherloc (09022015). Collection method: clinical testing. Allele origin: germline.
Comment: This sequence change replaces serine, which is neutral and polar, with proline, which is neutral and non-polar, at codon 181 of the MUTYH protein (p.Ser181Pro). This variant is present in population databases (no rsID available, gnomAD 0.0009%). This variant has not been reported in the literature in individuals affected with MUTYH-related conditions. ClinVar contains an entry for this variant (Variation ID: 533296). An algorithm developed to predict the effect of missense changes on protein structure and function (PolyPhen-2) suggests that this variant is likely to be disruptive. In summary, the available evidence is currently insufficient to determine the role of this variant in disease. Therefore, it has been classified as a Variant of Uncertain Significance.

Ambry Genetics
Classification: Benign for Hereditary cancer-predisposing syndrome. Last evaluated: 2025-09-09. Review status: criteria provided, single submitter. Criteria: Ambry Variant Classification Scheme 2023. Collection method: clinical testing. Allele origin: germline.

Color Diagnostics, LLC DBA Color Health
Classification: Uncertain significance for Hereditary cancer-predisposing syndrome. Last evaluated: 2024-03-06. Review status: criteria provided, single submitter. Criteria: ACMG Guidelines, 2015. Collection method: clinical testing. Allele origin: germline.
Comment: This missense variant replaces serine with proline at codon 181 of the MUTYH protein. Computational prediction suggests that this variant may have deleterious impact on protein structure and function (internally defined REVEL score threshold >= 0.7, PMID: 27666373). To our knowledge, functional studies have not been reported for this variant. This variant has not been reported in individuals affected with MUTYH-related disorders in the literature. This variant has been identified in 1/251466 chromosomes in the general population by the Genome Aggregation Database (gnomAD). The available evidence is insufficient to determine the role of this variant in disease conclusively. Therefore, this variant is classified as a Variant of Uncertain Significance.

All of Us Research Program, National Institutes of Health
Classification: Uncertain significance for Familial adenomatous polyposis 2. Last evaluated: 2023-12-01. Review status: criteria provided, single submitter. Criteria: ACMG Guidelines, 2015. Collection method: clinical testing. Allele origin: germline. Inheritance: Autosomal recessive inheritance. Observed: 2 variant alleles, 2 heterozygotes.
Comment: This missense variant replaces serine with proline at codon 181 of the MUTYH protein. Computational prediction suggests that this variant may have deleterious impact on protein structure and function (internally defined REVEL score threshold >= 0.7, PMID: 27666373). To our knowledge, functional studies have not been reported for this variant. This variant has not been reported in individuals affected with MUTYH-related disorders in the literature. This variant has been identified in 1/251466 chromosomes in the general population by the Genome Aggregation Database (gnomAD). The available evidence is insufficient to determine the role of this variant in disease conclusively. Therefore, this variant is classified as a Variant of Uncertain Significance.

This study involves interpretation of variants in research participants for the purpose of population health screening. Participant phenotype was not available at the time of variant classification. Additional details can be found in publication PMID: 35346344, PMCID: PMC8962531

True Health Diagnostics
Classification: Uncertain significance for Hereditary cancer-predisposing syndrome. Last evaluated: 2017-07-17. Review status: no assertion criteria provided. Collection method: clinical testing. Allele origin: germline. Not counted in ClinVar's aggregate classification.

Literature cited by the submitters: PubMed 40738107 (cited by Ambry Genetics).

NM_001048174.2(MUTYH):c.457T>C (p.Ser153Pro)

Gene: MUTYH (mutY DNA glycosylase; minus strand). Cytogenetic location: 1p34.1.
Variant type: single nucleotide variant.
Coding change: c.457T>C on transcript NM_001048174.2 (MANE Select); coding-DNA position 457, T replaced by C.
Protein change: p.Ser153Pro; replaces serine 153 with proline.
Molecular consequence: missense variant. On other transcripts: non-coding transcript variant (2).
Genome position (GRCh38, 1-based): chr1:45,332,798, A>G on the plus strand (T>C on the coding strand, the complement: MUTYH is on the minus strand). VCF-style: chr1-45332798-A-G. GRCh37 (hg19) VCF-style: chr1-45798470-A-G.
Other names: c.457T>C, p.Ser153Pro (NM_001048171.2, NM_001048173.2, NM_001293195.2); c.460T>C, p.Ser154Pro (NM_001048172.2); c.541T>C, p.Ser181Pro (NM_001128425.2); c.502T>C, p.Ser168Pro (NM_001293190.2); c.490T>C, p.Ser164Pro (NM_001293191.2); c.181T>C, p.Ser61Pro (NM_001293192.2, NM_001293196.2); c.112T>C, p.Ser38Pro (NM_001350650.2, NM_001350651.2); c.532T>C, p.Ser178Pro (NM_012222.3); short protein forms S181P, S178P, S61P, S153P, S154P, S168P, S38P, S164P.
Identifiers: ClinVar variation 533296 (VCV000533296.19), dbSNP rs769684812, ClinGen allele CA21838772.